The following is an entry in ClinVar:

NM_001347721.2(DYRK1A):c.1098del (p.Val367fs)

Gene: DYRK1A (dual specificity tyrosine phosphorylation regulated kinase 1A; plus strand). Cytogenetic location: 21q22.13.
Variant type: Deletion.
Coding change: c.1098del on transcript NM_001347721.2 (MANE Select); coding-DNA position 1098, one base deleted (A; older notation c.1098delA).
Protein change: p.Val367fs; shifts the reading frame from valine 367.
Molecular consequence: frameshift variant.
Genome position (GRCh38, 1-based): chr21:37,496,144, A deleted; the last of 2 consecutive A bases (chr21:37,496,143-37,496,144); deleting either gives the same sequence. VCF-style (leftmost placement, unchanged base first): chr21-37496142-GA-G. GRCh37 (hg19) VCF-style: chr21-38868444-GA-G.
Other names: c.1098del, p.Val367fs (NM_001347722.2, NM_130436.2); c.1011del, p.Val338fs (NM_001347723.2); c.1125del, p.Val376fs (NM_001396.5, NM_101395.2, NM_130438.2); short protein forms V367fs, V376fs, V338fs.
Identifiers: ClinVar variation 265595 (VCV000265595.2), dbSNP rs886039652, ClinGen allele CA10588711.

ClinVar aggregate classification (germline): Pathogenic (1 of 4 stars; one submission).

Submission:

GeneDx
Classification: Pathogenic. Last evaluated: 2016-06-07. Review status: criteria provided, single submitter. Criteria: GeneDx Variant Classification (06012015). Collection method: clinical testing. Allele origin: germline. Affected: yes.
Comment: The c.1125delA variant in the DYRK1A gene has not been reported previously as a pathogenic variant nor as a benign variant, to our knowledge. The c.1125delA variant causes a frameshift starting with codon Valine 376, changes this amino acid to a Phenylalanine residue, and creates a premature Stop codon at position 30 of the new reading frame, denoted p.Val376PhefsX30. This variant is predicted to cause loss of normal protein function either through protein truncation or nonsense-mediated mRNA decay. The c.1125delA variant was not observed in approximately 6500 individuals of European and African American ancestry in the NHLBI Exome Sequencing Project, indicating it is not a common benign variant in these populations. We interpret c.1125delA as a pathogenic variant.